The following is an entry in ClinVar:

NM_001844.5(COL2A1):c.3287_3297del (p.Pro1096fs)

Gene: COL2A1 (collagen type II alpha 1 chain; minus strand). Cytogenetic location: 12q13.11.
Variant type: Deletion.
Coding change: c.3287_3297del on transcript NM_001844.5 (MANE Select); coding-DNA positions 3287 to 3297, 11 bases deleted (CCATGGGACCC).
Protein change: p.Pro1096fs; shifts the reading frame from proline 1096.
Molecular consequence: frameshift variant.
Genome position (GRCh38, 1-based): chr12:47,977,132-47,977,142, GGGTCCCATGG deleted on the plus strand (CCATGGGACCC on the coding strand, the reverse complement: COL2A1 is on the minus strand); deleting any 11 consecutive bases within chr12:47,977,132-47,977,144 gives the same sequence; the c. name uses the placement nearest the transcript's 3' end. VCF-style (leftmost placement, unchanged base first): chr12-47977131-AGGGTCCCATGG-A. GRCh37 (hg19) VCF-style: chr12-48370914-AGGGTCCCATGG-A.
Other names: c.3080_3090del, p.Pro1027fs (NM_033150.3); short protein forms P1027fs, P1096fs.
Identifiers: ClinVar variation 2442698 (VCV002442698.3), dbSNP rs2540106999, ClinGen allele CA2580085483.

ClinVar aggregate classification (germline): Likely pathogenic (1 of 4 stars; one submission).

Submission:

GeneDx
Classification: Likely pathogenic. Last evaluated: 2025-12-30. Review status: criteria provided, single submitter. Criteria: GeneDx Variant Classification Process June 2021. Collection method: clinical testing. Allele origin: germline. Affected: yes.
Comment: Frameshift variant predicted to result in protein truncation or nonsense mediated decay in a gene for which loss of function is a known mechanism of disease; Not observed at significant frequency in large population cohorts (gnomAD); Has not been previously published as pathogenic or benign to our knowledge